The following is an entry in ClinVar:

NM_004183.4(BEST1):c.821C>A (p.Pro274His)

Gene: BEST1 (bestrophin 1; plus strand). Cytogenetic location: 11q12.3.
Variant type: single nucleotide variant.
Coding change: c.821C>A on transcript NM_004183.4 (MANE Select); coding-DNA position 821, C replaced by A.
Protein change: p.Pro274His; replaces proline 274 with histidine.
Molecular consequence: missense variant. On other transcripts: non-coding transcript variant (1).
Genome position (GRCh38, 1-based): chr11:61,958,252, C>A. VCF-style: chr11-61958252-C-A. GRCh37 (hg19) VCF-style: chr11-61725724-C-A.
Other names: c.641C>A, p.Pro214His (NM_001139443.3, NM_001300786.2, NM_001300787.2); c.503C>A, p.Pro168His (NM_001363591.3); c.821C>A, p.Pro274His (NM_001363592.2); c.-355C>A (NM_001363593.3); short protein forms P214H, P168H, P274H.
Identifiers: ClinVar variation 2110214 (VCV002110214.4), dbSNP rs62639270, ClinGen allele CA380840020.
Genomic context (GRCh38, chr11:61,958,252, plus strand): 5'-GGCGGCAGTTTCTGAACCCAGCCAAGGCCTACCCTGGCCATGAGCTGGACCTCGTTGTGC[C>A]CGTCTTCACGTTCCTGCAGTTCTTCTTCTATGTTGGCTGGCTGAAGGTGGGCCTCTCCAG-3'
Protein context (NP_004174.1, residues 264-284): YPGHELDLVV[Pro274His]VFTFLQFFFY

ClinVar aggregate classification (germline): Likely pathogenic (1 of 4 stars; one submission).

Submission:

Labcorp Genetics (formerly Invitae), Labcorp
Classification: Likely pathogenic. Last evaluated: 2022-08-22. Review status: criteria provided, single submitter. Criteria: Invitae Variant Classification Sherloc (09022015). Collection method: clinical testing. Allele origin: germline.
Comment: This sequence change replaces proline, which is neutral and non-polar, with histidine, which is basic and polar, at codon 274 of the BEST1 protein (p.Pro274His). This variant is not present in population databases (gnomAD no frequency). This variant has not been reported in the literature in individuals affected with BEST1-related conditions. Advanced modeling of protein sequence and biophysical properties (such as structural, functional, and spatial information, amino acid conservation, physicochemical variation, residue mobility, and thermodynamic stability) performed at Invitae indicates that this missense variant is expected to disrupt BEST1 protein function. This variant disrupts the p.Pro274 amino acid residue in BEST1. Other variant(s) that disrupt this residue have been determined to be pathogenic (PMID: 21273940, 25545482). This suggests that this residue is clinically significant, and that variants that disrupt this residue are likely to be disease-causing. In summary, the currently available evidence indicates that the variant is pathogenic, but additional data are needed to prove that conclusively. Therefore, this variant has been classified as Likely Pathogenic.

Literature cited by the submitters: PubMed 21273940; PubMed 25545482.